The following is an entry in ClinVar:

NM_004370.6(COL12A1):c.544G>A (p.Val182Ile)

Gene: COL12A1 (collagen type XII alpha 1 chain; minus strand). Cytogenetic location: 6q13.
Variant type: single nucleotide variant.
Coding change: c.544G>A on transcript NM_004370.6 (MANE Select); coding-DNA position 544, G replaced by A.
Protein change: p.Val182Ile; replaces valine 182 with isoleucine.
Molecular consequence: missense variant. On other transcripts: intron variant (1).
Genome position (GRCh38, 1-based): chr6:75,189,666, C>T on the plus strand (G>A on the coding strand, the complement: COL12A1 is on the minus strand). VCF-style: chr6-75189666-C-T. GRCh37 (hg19) VCF-style: chr6-75899382-C-T.
Other names: c.73+13054G>A (NM_080645.3); short protein forms V182I.
Identifiers: ClinVar variation 852600 (VCV000852600.10), dbSNP rs1769824140, ClinGen allele CA364729085.

ClinVar aggregate classification (germline): Uncertain significance (1 of 4 stars; one submission).

Conditions:
Ullrich congenital muscular dystrophy 2 (UCMD2). Identifiers: Orphanet 75840, MedGen C4225314, MONDO:0014654, OMIM 616470.
Bethlem myopathy 2 (BTHLM2). Identifiers: Orphanet 536516, Orphanet 610, MedGen C4225313, MONDO:0034022, OMIM 616471.

Submission:

Labcorp Genetics (formerly Invitae), Labcorp
Classification: Uncertain significance for Bethlem myopathy 2; Ullrich congenital muscular dystrophy 2. Last evaluated: 2024-10-31. Review status: criteria provided, single submitter. Criteria: Invitae Variant Classification Sherloc (09022015). Collection method: clinical testing. Allele origin: germline.
Comment: This sequence change replaces valine, which is neutral and non-polar, with isoleucine, which is neutral and non-polar, at codon 182 of the COL12A1 protein (p.Val182Ile). This variant is not present in population databases (gnomAD no frequency). This variant has not been reported in the literature in individuals affected with COL12A1-related conditions. ClinVar contains an entry for this variant (Variation ID: 852600). An algorithm developed to predict the effect of missense changes on protein structure and function outputs the following: PolyPhen-2: "Benign". The isoleucine amino acid residue is found in multiple mammalian species, which suggests that this missense change does not adversely affect protein function. In summary, the available evidence is currently insufficient to determine the role of this variant in disease. Therefore, it has been classified as a Variant of Uncertain Significance.